The following is an entry in ClinVar:

NM_018406.7(MUC4):c.12266C>T (p.Ala4089Val)

Genes: MUC4 (mucin 4, cell surface associated), LOC126806930 (BRD4-independent group 4 enhancer GRCh37_chr3:195505212-195506411). Cytogenetic location: 3q29.
Variant type: single nucleotide variant.
Coding change: c.12266C>T on transcript NM_018406.7 (MANE Select); coding-DNA position 12266, C replaced by T.
Protein change: p.Ala4089Val; replaces alanine 4089 with valine.
Molecular consequence: missense variant. On other transcripts: intron variant (2).
Genome position (GRCh38, 1-based): chr3:195,779,314, G>A on the plus strand (C>T on the coding strand, the complement: MUC4 is on the minus strand). VCF-style: chr3-195779314-G-A. GRCh37 (hg19) VCF-style: chr3-195506185-G-A.
Other names: c.83-5009C>T (NM_138297.5); c.83-859C>T (NM_004532.6); short protein forms A4089V.
Identifiers: ClinVar variation 3257627 (VCV003257627.17).

ClinVar aggregate classification (germline): Likely benign (1 of 4 stars; one submission).

gnomAD v4.1: 29,414 of 952,788 alleles (3.1%); highest among the groups gnomAD compares: Non-Finnish European, 3.4%; 11,528 homozygotes.

Submission:

CeGaT Center for Human Genetics Tuebingen
Classification: Likely benign. Last evaluated: 2024-07-01. Review status: criteria provided, single submitter. Criteria: CeGaT Center For Human Genetics Tuebingen Variant Classification Criteria Version 2. Collection method: clinical testing. Allele origin: germline. Affected: yes. Observed: 1 variant allele.
Comment: MUC4: BP4, BS2